The following is an entry in ClinVar:

ClinVar aggregate classification (germline): Uncertain significance. Review status: criteria provided, multiple submitters, no conflicts (2 of 4 stars). 2 submissions from 2 submitters: Uncertain significance (2). Last evaluated 2025-12-21.

Conditions:
Arrhythmogenic right ventricular dysplasia 13. Also called: Arrhythmogenic right ventricular dysplasia, familial, 13; ARRHYTHMOGENIC RIGHT VENTRICULAR CARDIOMYOPATHY 13. Identifiers: MedGen C3810138, MONDO:0000908, OMIM 615616.

Allele frequency attached by ClinVar (database versions not stated): gnomAD exomes 0.00001 and 0.00003; ExAC 0.00002; TOPMed 0.00002.
gnomAD v4.1: 21 of 1,613,738 alleles (0.0013%); highest among the groups gnomAD compares: East Asian, 0.011%; no homozygotes.

Submissions (2):

Labcorp Genetics (formerly Invitae), Labcorp
Classification: Uncertain significance for Arrhythmogenic right ventricular dysplasia 13. Last evaluated: 2025-12-21. Review status: criteria provided, single submitter. Criteria: Invitae Variant Classification Sherloc (09022015). Collection method: clinical testing. Allele origin: germline.
Comment: This sequence change replaces glutamine, which is neutral and polar, with glutamic acid, which is acidic and polar, at codon 790 of the CTNNA3 protein (p.Gln790Glu). This variant is present in population databases (rs758882774, gnomAD 0.03%). This variant has not been reported in the literature in individuals affected with CTNNA3-related conditions. ClinVar contains an entry for this variant (Variation ID: 579234). Invitae Evidence Modeling of protein sequence and biophysical properties (such as structural, functional, and spatial information, amino acid conservation, physicochemical variation, residue mobility, and thermodynamic stability) indicates that this missense variant is not expected to disrupt CTNNA3 protein function with a negative predictive value of 80%. In summary, the available evidence is currently insufficient to determine the role of this variant in disease. Therefore, it has been classified as a Variant of Uncertain Significance.

Ambry Genetics
Classification: Uncertain significance. Last evaluated: 2024-06-04. Review status: criteria provided, single submitter. Criteria: Ambry Variant Classification Scheme 2023. Collection method: clinical testing. Allele origin: germline.
Comment: The p.Q790E variant (also known as c.2368C>G), located in coding exon 16 of the CTNNA3 gene, results from a C to G substitution at nucleotide position 2368. The glutamine at codon 790 is replaced by glutamic acid, an amino acid with highly similar properties. This amino acid position is conserved. In addition, the in silico prediction for this alteration is inconclusive. Based on the available evidence, the clinical significance of this variant remains unclear.

NM_013266.4(CTNNA3):c.2368C>G (p.Gln790Glu)

Gene: CTNNA3 (catenin alpha 3; minus strand). Cytogenetic location: 10q21.3.
Variant type: single nucleotide variant.
Coding change: c.2368C>G on transcript NM_013266.4 (MANE Select); coding-DNA position 2368, C replaced by G.
Protein change: p.Gln790Glu; replaces glutamine 790 with glutamic acid.
Molecular consequence: missense variant.
Genome position (GRCh38, 1-based): chr10:65,966,644, G>C on the plus strand (C>G on the coding strand, the complement: CTNNA3 is on the minus strand). VCF-style: chr10-65966644-G-C. GRCh37 (hg19) VCF-style: chr10-67726402-G-C.
Other names: c.2368C>G, p.Gln790Glu (NM_001127384.3); c.2368C>G (NM_013266.2); short protein forms Q790E.
Identifiers: ClinVar variation 579234 (VCV000579234.13), dbSNP rs758882774, ClinGen allele CA5519619.
Genomic context (GRCh38, chr10:65,966,644, plus strand): 5'-GATCATGTAAGTGCTAGGCAGTACTCACAGCTGACATGATGAGCTCTCCTCCCAGGTTCT[G>C]GATCTCAGCTTTAACTTGACTGCAGATTTTCAGTTGGTGGGAGTAGAACTTAATCTGTTC-3'
Protein context (NP_037398.2, residues 780-800): KICSQVKAEI[Gln790Glu]NLGGELIMSA